The following is an entry in ClinVar:

ClinVar aggregate classification (germline): Benign/Likely benign. Review status: criteria provided, multiple submitters, no conflicts (2 of 4 stars). 12 submissions from 8 submitters: Benign (5); Likely benign (7). Last evaluated 2026-01-18.

Conditions:
Geleophysic dysplasia. Identifiers: Orphanet 2623, MedGen C3489726, MONDO:0000127.
Weill-Marchesani syndrome. Also called: WM Syndrome; Mesodermal dysmorphodystrophy congenital. Identifiers: Orphanet 3449, MedGen C0265313, MONDO:0018096.
Familial thoracic aortic aneurysm and aortic dissection (TAAD). Also called: Thoracic aortic aneurysms and dissections. Identifiers: Orphanet 91387, MedGen C4707243, MONDO:0019625.
Marfan syndrome (MFS). Also called: Marfan syndrome type 1; Marfan's syndrome; Marfan syndrome, classic; MARFAN SYNDROME, TYPE I; FBN1-Related Marfan Syndrome. Identifiers: Orphanet 284963, Orphanet 558, MedGen C0024796, MONDO:0007947, OMIM 154700.
Acromicric dysplasia (ACMICD). Also called: Acromicric skeletal dysplasia. Identifiers: Orphanet 969, MedGen C0265287, MONDO:0007055, OMIM 102370.
Stiff skin syndrome (SSKS). Identifiers: Orphanet 2833, MedGen C1861456, MONDO:0008492, OMIM 184900.

Allele frequency attached by ClinVar (database versions not stated): gnomAD 0.00024 and 0.00036; gnomAD exomes 0.00034 and 0.00073; 1000 Genomes Project 0.00040; TOPMed 0.00043; ExAC 0.00058; 1000 Genomes Project 30x 0.00062.
gnomAD v4.1: 550 of 1,610,384 alleles (0.034%); highest among the groups gnomAD compares: East Asian, 1.1%; 3 homozygotes.

Submissions (12):

Labcorp Genetics (formerly Invitae), Labcorp
Classification: Benign for Marfan syndrome; Familial thoracic aortic aneurysm and aortic dissection. Last evaluated: 2026-01-18. Review status: criteria provided, single submitter. Criteria: Invitae Variant Classification Sherloc (09022015). Collection method: clinical testing. Allele origin: germline.

CeGaT Center for Human Genetics Tuebingen
Classification: Likely benign. Last evaluated: 2025-10-01. Review status: criteria provided, single submitter. Criteria: CeGaT Center For Human Genetics Tuebingen Variant Classification Criteria Version 2. Collection method: clinical testing. Allele origin: germline. Affected: yes. Observed: 1 variant allele.
Comment: FBN1: BS1

Blueprint Genetics
Classification: Likely benign. Last evaluated: 2024-11-20. Review status: criteria provided, single submitter. Criteria: ACMG Guidelines, 2015. Collection method: clinical testing. Allele origin: germline.

All of Us Research Program, National Institutes of Health
Classification: Benign for Marfan syndrome. Last evaluated: 2024-01-11. Review status: criteria provided, single submitter. Criteria: ACMG Guidelines, 2015. Collection method: clinical testing. Allele origin: germline. Inheritance: Autosomal dominant inheritance. Observed: 49 variant alleles, 49 heterozygotes.
Comment: This study involves interpretation of variants in research participants for the purpose of population health screening. Participant phenotype was not available at the time of variant classification. Additional details can be found in publication PMID: 35346344, PMCID: PMC8962531

Color Diagnostics, LLC DBA Color Health
Classification: Benign for Familial thoracic aortic aneurysm and aortic dissection. Last evaluated: 2018-09-29. Review status: criteria provided, single submitter. Criteria: ACMG Guidelines, 2015. Collection method: clinical testing. Allele origin: germline.

ARUP Laboratories, Molecular Genetics and Genomics, ARUP Laboratories
Classification: Benign. Last evaluated: 2018-07-09. Review status: criteria provided, single submitter. Criteria: ARUP Molecular Germline Variant Investigation Process. Collection method: clinical testing. Allele origin: germline.

Illumina Laboratory Services, Illumina
Classification: Likely benign for Marfan syndrome. Last evaluated: 2017-04-27. Review status: criteria provided, single submitter. Criteria: ICSL Variant Classification Criteria 13 December 2019. Collection method: clinical testing. Allele origin: germline.
Comment: This variant was observed as part of a predisposition screen in an ostensibly healthy population. A literature search was performed for the gene, cDNA change, and amino acid change (where applicable). No publications were found based on this search. Allele frequency data from public databases allowed determination this variant is unlikely to cause disease. Therefore, this variant is classified as likely benign.

Illumina Laboratory Services, Illumina
Classification: Likely benign for Acromicric dysplasia. Last evaluated: 2017-04-27. Review status: criteria provided, single submitter. Criteria: ICSL Variant Classification Criteria 13 December 2019. Collection method: clinical testing. Allele origin: germline.
Comment: the same text as in the submission from Illumina Laboratory Services, Illumina above.

Illumina Laboratory Services, Illumina
Classification: Likely benign for Weill-Marchesani syndrome. Last evaluated: 2017-04-27. Review status: criteria provided, single submitter. Criteria: ICSL Variant Classification Criteria 13 December 2019. Collection method: clinical testing. Allele origin: germline.
Comment: the same text as in the submission from Illumina Laboratory Services, Illumina above.

Illumina Laboratory Services, Illumina
Classification: Likely benign for Stiff skin syndrome. Last evaluated: 2017-04-27. Review status: criteria provided, single submitter. Criteria: ICSL Variant Classification Criteria 13 December 2019. Collection method: clinical testing. Allele origin: germline.
Comment: the same text as in the submission from Illumina Laboratory Services, Illumina above.

Illumina Laboratory Services, Illumina
Classification: Likely benign for Geleophysic dysplasia. Last evaluated: 2017-04-27. Review status: criteria provided, single submitter. Criteria: ICSL Variant Classification Criteria 13 December 2019. Collection method: clinical testing. Allele origin: germline.
Comment: the same text as in the submission from Illumina Laboratory Services, Illumina above.

GeneDx
Classification: Benign. Last evaluated: 2014-09-04. Review status: criteria provided, single submitter. Criteria: GeneDx Variant Classification (06012015). Collection method: clinical testing. Allele origin: germline. Affected: yes.
Comment: This variant is considered likely benign or benign based on one or more of the following criteria: it is a conservative change, it occurs at a poorly conserved position in the protein, it is predicted to be benign by multiple in silico algorithms, and/or has population frequency not consistent with disease.

NM_000138.5(FBN1):c.2678-12T>C

Gene: FBN1 (fibrillin 1; minus strand). Cytogenetic location: 15q21.1.
Variant type: single nucleotide variant.
Coding change: c.2678-12T>C on transcript NM_000138.5 (MANE Select); 12 bases into the intron before coding-DNA position 2678, T replaced by C.
Molecular consequence: intron variant.
Genome position (GRCh38, 1-based): chr15:48,494,266, A>G on the plus strand (T>C on the coding strand, the complement: FBN1 is on the minus strand). VCF-style: chr15-48494266-A-G. GRCh37 (hg19) VCF-style: chr15-48786463-A-G.
Identifiers: ClinVar variation 199946 (VCV000199946.29), dbSNP rs200368037, ClinGen allele CA013311.
Genomic context (GRCh38, chr15:48,494,266, plus strand): 5'-TCACATTGTGTTCCTTTAATTCTTGAGTACCCTTTACCACATATGGGATCTGTAATAAAA[A>G]GCGAAAAACAAAACAGAAAACAAATTTGAGATAACAATATCCAGACTTTGCAGTTCTGAC-3'